The following is an entry in ClinVar:

ClinVar aggregate classification (germline): Likely benign (1 of 4 stars; one submission).

Submission:

Women's Health and Genetics/Laboratory Corporation of America, LabCorp
Classification: Likely benign. Last evaluated: 2025-12-24. Review status: criteria provided, single submitter. Criteria: LabCorp Variant Classification Summary - May 2015. Collection method: clinical testing. Allele origin: germline.
Comment: Variant summary: IGF1R c.1590-13_1590-10delAATT alters non-conserved nucleotides located at a position not widely known to affect splicing. Consensus agreement among computation tools predict no significant impact on normal splicing. However, these predictions have yet to be confirmed by functional studies. The variant was absent in 251258 control chromosomes. The available data on variant occurrences in the general population are insufficient to allow any conclusion about variant significance. To our knowledge, no occurrence of c.1590-13_1590-10delAATT in individuals affected with IGF1R-related conditions and no experimental evidence demonstrating its impact on protein function have been reported. No submitters have cited clinical-significance assessments for this variant to ClinVar. Based on the evidence outlined above, the variant was classified as likely benign.

NM_000875.5(IGF1R):c.1590-13_1590-10del

Gene: IGF1R (insulin like growth factor 1 receptor; plus strand). Cytogenetic location: 15q26.3.
Variant type: Deletion.
Coding change: c.1590-13_1590-10del on transcript NM_000875.5 (MANE Select); 13 bases into the intron before coding-DNA position 1590 through 10 bases into the intron before coding-DNA position 1590, 4 bases deleted (AATT; older notation c.1590-13_1590-10delAATT).
Molecular consequence: intron variant.
Genome position (GRCh38, 1-based): chr15:98,913,031-98,913,034, AATT deleted; deleting any 4 consecutive bases within chr15:98,913,029-98,913,034 gives the same sequence; the c. name uses the placement nearest the transcript's 3' end. VCF-style (leftmost placement, unchanged base first): chr15-98913028-CTTAA-C. GRCh37 (hg19) VCF-style: chr15-99456257-CTTAA-C.
Other names: c.1590-13_1590-10del (NM_001291858.2); c.1590-13_1590-10delAATT (NM_000875.5).
Identifiers: ClinVar variation 4688829 (VCV004688829.1).